The following is an entry in ClinVar:

ClinVar aggregate classification (germline): Uncertain significance. Review status: criteria provided, multiple submitters, no conflicts (2 of 4 stars). 2 submissions from 2 submitters: Uncertain significance (2). Last evaluated 2025-04-21.

Allele frequency attached by ClinVar (database versions not stated): ExAC 0.00001; gnomAD 0.00001; gnomAD exomes 0.00002.
gnomAD v4.1: 34 of 1,613,438 alleles (0.0021%); highest among the groups gnomAD compares: Middle Eastern, 0.016%; no homozygotes.

Submissions (2):

Labcorp Genetics (formerly Invitae), Labcorp
Classification: Uncertain significance. Last evaluated: 2025-04-21. Review status: criteria provided, single submitter. Criteria: Invitae Variant Classification Sherloc (09022015). Collection method: clinical testing. Allele origin: germline.
Comment: This sequence change replaces arginine, which is basic and polar, with glutamine, which is neutral and polar, at codon 546 of the CACNA2D4 protein (p.Arg546Gln). This variant is present in population databases (rs746491494, gnomAD 0.02%). This variant has not been reported in the literature in individuals affected with CACNA2D4-related conditions. ClinVar contains an entry for this variant (Variation ID: 1355156). An algorithm developed to predict the effect of missense changes on protein structure and function outputs the following: PolyPhen-2: "Benign". The glutamine amino acid residue is found in multiple mammalian species, which suggests that this missense change does not adversely affect protein function. In summary, the available evidence is currently insufficient to determine the role of this variant in disease. Therefore, it has been classified as a Variant of Uncertain Significance.

Blueprint Genetics
Classification: Uncertain significance. Last evaluated: 2024-05-31. Review status: criteria provided, single submitter. Criteria: ACMG Guidelines, 2015. Collection method: clinical testing. Allele origin: germline.

NM_172364.5(CACNA2D4):c.1637G>A (p.Arg546Gln)

Gene: CACNA2D4 (calcium voltage-gated channel auxiliary subunit alpha2delta 4; minus strand). Cytogenetic location: 12p13.33.
Variant type: single nucleotide variant.
Coding change: c.1637G>A on transcript NM_172364.5 (MANE Select); coding-DNA position 1637, G replaced by A.
Protein change: p.Arg546Gln; replaces arginine 546 with glutamine.
Molecular consequence: missense variant.
Genome position (GRCh38, 1-based): chr12:1,878,963, C>T on the plus strand (G>A on the coding strand, the complement: CACNA2D4 is on the minus strand). VCF-style: chr12-1878963-C-T. GRCh37 (hg19) VCF-style: chr12-1988129-C-T.
Other names: short protein forms R546Q.
Identifiers: ClinVar variation 1355156 (VCV001355156.9), dbSNP rs746491494, ClinGen allele CA6387055.
Genomic context (GRCh38, chr12:1,878,963, plus strand): 5'-GAGTTTGCTCCTGGGGAACCTGTGATCCCCACAGGGAACAGACCCAGGCTCACCTTGTAC[C>T]GGGGCGCCAGCTTCATCAGCTCTCTCAGGGCCACATCTGAGCCCACCACACCCAGGAGAA-3'
Protein context (NP_758952.4, residues 536-556): ALRELMKLAP[Arg546Gln]YKLGVHGYAF